The following is an entry in ClinVar:

NM_001377334.1(PIK3C2B):c.4386T>C (p.Pro1462=)

Gene: PIK3C2B (phosphatidylinositol-4-phosphate 3-kinase catalytic subunit type 2 beta; minus strand). Cytogenetic location: 1q32.1.
Variant type: single nucleotide variant.
Coding change: c.4386T>C on transcript NM_001377334.1 (MANE Select); coding-DNA position 4386, T replaced by C.
Protein change: p.Pro1462=; no amino-acid change (proline 1462 retained).
Molecular consequence: synonymous variant.
Genome position (GRCh38, 1-based): chr1:204,429,933, A>G on the plus strand (T>C on the coding strand, the complement: PIK3C2B is on the minus strand). VCF-style: chr1-204429933-A-G. GRCh37 (hg19) VCF-style: chr1-204399061-A-G.
Other names: c.4302T>C, p.Pro1434= (NM_001377335.1); c.4386T>C, p.Pro1462= (NM_002646.4).
Identifiers: ClinVar variation 3059493 (VCV003059493.2), dbSNP rs2271419, ClinGen allele CA1347140.

ClinVar aggregate classification (germline): Benign (0 of 4 stars; one submission).

Conditions:
PIK3C2B-related disorder. Also called: PIK3C2B-related condition.

Allele frequency attached by ClinVar (database versions not stated): ESP Exome Variant Server 0.01261; gnomAD exomes 0.09175; ExAC 0.10536; 1000 Genomes Project 0.13778; gnomAD 0.14162; 1000 Genomes Project 30x 0.14241; TOPMed 0.14482.
gnomAD v4.1: 154,998 of 1,606,238 alleles (9.6%); highest among the groups gnomAD compares: African/African-American, 26%; 9,005 homozygotes.

Submission:

PreventionGenetics, part of Exact Sciences
Classification: Benign for PIK3C2B-related condition. Last evaluated: 2019-08-02. Review status: no assertion criteria provided. Collection method: clinical testing. Allele origin: germline.
Comment: This variant is classified as benign based on ACMG/AMP sequence variant interpretation guidelines (Richards et al. 2015 PMID: 25741868, with internal and published modifications).